The following is an entry in ClinVar:

NM_000091.5(COL4A3):c.1353C>T (p.His451=)

Genes: COL4A3 (collagen type IV alpha 3 chain; plus strand), MFF-DT (MFF divergent transcript; minus strand). Cytogenetic location: 2q36.3.
Variant type: single nucleotide variant.
Coding change: c.1353C>T on transcript NM_000091.5 (MANE Select); coding-DNA position 1353, C replaced by T.
Protein change: p.His451=; no amino-acid change (histidine 451 retained).
Molecular consequence: synonymous variant.
Genome position (GRCh38, 1-based): chr2:227,266,454, C>T. VCF-style: chr2-227266454-C-T. GRCh37 (hg19) VCF-style: chr2-228131170-C-T.
Identifiers: ClinVar variation 666621 (VCV000666621.37), dbSNP rs189364374, ClinGen allele CA2146626.
Genomic context (GRCh38, chr2:227,266,454, plus strand): 5'-TCTTTGGTGCTGTATTTTTATAGGTGACATCGTTTTTCGCAAGGGTCCACCTGGAGATCA[C>T]GGACTGCCAGGCTATCTAGGGTCTCCAGGAATCCCAGGAGTTGATGGGCCCAAAGGTTGG-3'
Protein context (NP_000082.2, residues 441-461): IVFRKGPPGD[His451=]GLPGYLGSPG

ClinVar aggregate classification (germline): Benign/Likely benign. Review status: criteria provided, multiple submitters, no conflicts (2 of 4 stars). 8 submissions from 8 submitters: Benign (3); Likely benign (4). 1 of the submissions does not count toward it. Last evaluated 2026-01-28.

Conditions:
Alport syndrome. Also called: Hemorrhagic familial nephritis; Hemorrhagic hereditary nephritis; Congenital hereditary hematuria. Identifiers: Orphanet 63, MedGen C1567741, MONDO:0018965.

Allele frequency attached by ClinVar (database versions not stated): gnomAD 0.00025 and 0.00040; gnomAD exomes 0.00029 and 0.00080; TOPMed 0.00061; ExAC 0.00078; 1000 Genomes Project 0.00120; 1000 Genomes Project 30x 0.00156.
gnomAD v4.1: 487 of 1,614,018 alleles (0.03%); highest among the groups gnomAD compares: East Asian, 0.92%; 4 homozygotes.

Submissions (8):

Labcorp Genetics (formerly Invitae), Labcorp
Classification: Benign. Last evaluated: 2026-01-28. Review status: criteria provided, single submitter. Criteria: Invitae Variant Classification Sherloc (09022015). Collection method: clinical testing. Allele origin: germline.

CeGaT Center for Human Genetics Tuebingen
Classification: Likely benign. Last evaluated: 2025-07-01. Review status: criteria provided, single submitter. Criteria: CeGaT Center For Human Genetics Tuebingen Variant Classification Criteria Version 2. Collection method: clinical testing. Allele origin: germline. Affected: yes. Observed: 2 variant alleles.
Comment: COL4A3: BP4, BP7

Blueprint Genetics
Classification: Likely benign. Last evaluated: 2024-11-05. Review status: criteria provided, single submitter. Criteria: ACMG Guidelines, 2015. Collection method: clinical testing. Allele origin: germline.

GeneDx
Classification: Benign. Last evaluated: 2020-06-15. Review status: criteria provided, single submitter. Criteria: GeneDx Variant Classification Process June 2021. Collection method: clinical testing. Allele origin: germline. Affected: yes.

Illumina Laboratory Services, Illumina
Classification: Likely benign for Alport syndrome. Last evaluated: 2018-01-13. Review status: criteria provided, single submitter. Criteria: ICSL Variant Classification Criteria 13 December 2019. Collection method: clinical testing. Allele origin: germline.
Comment: This variant was observed in the ICSL laboratory as part of a predisposition screen in an ostensibly healthy population. It had not been previously curated by ICSL or reported in the Human Gene Mutation Database (HGMD: prior to June 1st, 2018), and was therefore a candidate for classification through an automated scoring system. Utilizing variant allele frequency, disease prevalence and penetrance estimates, and inheritance mode, an automated score was calculated to assess if this variant is too frequent to cause the disease. Based on the score and internal cut-off values, a variant classified as likely benign is not then subjected to further curation. The score for this variant resulted in a classification of likely benign for this disease.

Laboratory for Molecular Medicine, Mass General Brigham Personalized Medicine
Classification: Benign. Last evaluated: 2016-03-21. Review status: criteria provided, single submitter. Criteria: LMM Criteria. Collection method: clinical testing. Allele origin: germline. Observed: 1 variant allele.
Comment: p.His451His in exon 22 of COL4A3: This variant is not expected to have clinical significance because it does not alter an amino acid residue, is not located wit hin the splice consensus sequence, and has been identified in 1.03% (88/8582) of East Asian chromosomes by the Exome Aggregation Consortium (ExAC; dbSNP rs189364374).

Breakthrough Genomics
Classification: Likely benign. Review status: criteria provided, single submitter. Criteria: ACMG Guidelines, 2015. Collection method: not provided. Allele origin: germline. Inheritance: Autosomal recessive inheritance. Affected: yes.

Natera, Inc.
Classification: Likely benign for Alport syndrome. Last evaluated: 2019-10-24. Review status: no assertion criteria provided. Collection method: clinical testing. Allele origin: germline. Not counted in ClinVar's aggregate classification.